The following is an entry in ClinVar:

ClinVar aggregate classification (germline): Uncertain significance. Review status: criteria provided, multiple submitters, no conflicts (2 of 4 stars). 2 submissions from 2 submitters: Uncertain significance (2). Last evaluated 2025-02-12.

Conditions:
Colorectal cancer, hereditary nonpolyposis, type 7. Identifiers: Orphanet 144, MedGen C1858380, MONDO:0013725, OMIM 614385.

Allele frequency attached by ClinVar (database versions not stated): gnomAD exomes below 0.00001.

Submissions (2):

Labcorp Genetics (formerly Invitae), Labcorp
Classification: Uncertain significance for Colorectal cancer, hereditary nonpolyposis, type 7. Last evaluated: 2025-02-12. Review status: criteria provided, single submitter. Criteria: Invitae Variant Classification Sherloc (09022015). Collection method: clinical testing. Allele origin: germline.
Comment: This sequence change replaces tryptophan, which is neutral and slightly polar, with serine, which is neutral and polar, at codon 333 of the MLH3 protein (p.Trp333Ser). This variant is present in population databases (no rsID available, gnomAD 0.006%). This variant has not been reported in the literature in individuals affected with MLH3-related conditions. ClinVar contains an entry for this variant (Variation ID: 1768824). An algorithm developed to predict the effect of missense changes on protein structure and function (PolyPhen-2) suggests that this variant is likely to be disruptive. In summary, the available evidence is currently insufficient to determine the role of this variant in disease. Therefore, it has been classified as a Variant of Uncertain Significance.

Ambry Genetics
Classification: Uncertain significance. Last evaluated: 2021-07-20. Review status: criteria provided, single submitter. Criteria: Ambry Variant Classification Scheme 2023. Collection method: clinical testing. Allele origin: germline.
Comment: The p.W333S variant (also known as c.998G>C), located in coding exon 1 of the MLH3 gene, results from a G to C substitution at nucleotide position 998. The tryptophan at codon 333 is replaced by serine, an amino acid with highly dissimilar properties. This amino acid position is conserved. In addition, this alteration is predicted to be deleterious by in silico analysis. Since supporting evidence is limited at this time, the clinical significance of this alteration remains unclear.

NM_001040108.2(MLH3):c.998G>C (p.Trp333Ser)

Gene: MLH3 (mutL homolog 3; minus strand). Cytogenetic location: 14q24.3.
Variant type: single nucleotide variant.
Coding change: c.998G>C on transcript NM_001040108.2 (MANE Select); coding-DNA position 998, G replaced by C.
Protein change: p.Trp333Ser; replaces tryptophan 333 with serine.
Molecular consequence: missense variant.
Genome position (GRCh38, 1-based): chr14:75,048,658, C>G on the plus strand (G>C on the coding strand, the complement: MLH3 is on the minus strand). VCF-style: chr14-75048658-C-G. GRCh37 (hg19) VCF-style: chr14-75515361-C-G.
Other names: c.998G>C, p.Trp333Ser (NM_014381.3); short protein forms W333S.
Identifiers: ClinVar variation 1768824 (VCV001768824.3), dbSNP rs1160077959, ClinGen allele CA390448218.
Genomic context (GRCh38, chr14:75,048,658, plus strand): 5'-AATTTTTCTTGCTTTAAAAACATTTTCACTCCTTCCTGAATGCAAAACAAGAGAGTGTCC[C>G]AGTTCTGAAATTCAATCAGAGTTTTGGCTGGCTCCATGCACACATCATACTCACAGAATT-3'
Protein context (NP_001035197.1, residues 323-343): PAKTLIEFQN[Trp333Ser]DTLLFCIQEG